The following is an entry in ClinVar:

NM_001873.4(CPE):c.417C>T (p.Asn139=)

Gene: CPE (carboxypeptidase E; plus strand). Cytogenetic location: 4q32.3.
Variant type: single nucleotide variant.
Coding change: c.417C>T on transcript NM_001873.4 (MANE Select); coding-DNA position 417, C replaced by T.
Protein change: p.Asn139=; no amino-acid change (asparagine 139 retained).
Molecular consequence: synonymous variant.
Genome position (GRCh38, 1-based): chr4:165,464,499, C>T. VCF-style: chr4-165464499-C-T. GRCh37 (hg19) VCF-style: chr4-166385651-C-T.
Other names: c.417C>T (NM_001873.3).
Identifiers: ClinVar variation 2655171 (VCV002655171.26), dbSNP rs140774899, ClinGen allele CA109768381.

ClinVar aggregate classification (germline): Likely benign. Review status: criteria provided, multiple submitters, no conflicts (2 of 4 stars). 3 submissions from 3 submitters: Likely benign (2). 1 of the submissions does not count toward it. Last evaluated 2024-07-11.

Conditions:
CPE-related disorder. Also called: CPE-related condition.

Allele frequency attached by ClinVar (database versions not stated): ESP Exome Variant Server 0.00008.
gnomAD v4.1: 128 of 1,613,744 alleles (0.0079%); highest among the groups gnomAD compares: Non-Finnish European, 0.0091%; no homozygotes.

Submissions (3):

Blueprint Genetics
Classification: Likely benign. Last evaluated: 2024-07-11. Review status: criteria provided, single submitter. Criteria: ACMG Guidelines, 2015. Collection method: clinical testing. Allele origin: germline.

CeGaT Center for Human Genetics Tuebingen
Classification: Likely benign. Last evaluated: 2022-10-01. Review status: criteria provided, single submitter. Criteria: CeGaT Center For Human Genetics Tuebingen Variant Classification Criteria Version 2. Collection method: clinical testing. Allele origin: germline. Affected: yes. Observed: 1 variant allele.
Comment: CPE: BP4, BP7

PreventionGenetics, part of Exact Sciences
Classification: Likely benign for CPE-related condition. Last evaluated: 2023-12-12. Review status: no assertion criteria provided. Collection method: clinical testing. Allele origin: germline. Not counted in ClinVar's aggregate classification.
Comment: This variant is classified as likely benign based on ACMG/AMP sequence variant interpretation guidelines (Richards et al. 2015 PMID: 25741868, with internal and published modifications).